The following is an entry in ClinVar:

ClinVar aggregate classification (germline): Uncertain significance (1 of 4 stars; one submission).

Conditions:
Lymphoproliferative syndrome 1 (LPFS1). Identifiers: Orphanet 238505, Orphanet 538963, MedGen C3552634, MONDO:0013081, OMIM 613011.

Submission:

Labcorp Genetics (formerly Invitae), Labcorp
Classification: Uncertain significance for Lymphoproliferative syndrome 1. Last evaluated: 2022-08-09. Review status: criteria provided, single submitter. Criteria: Invitae Variant Classification Sherloc (09022015). Collection method: clinical testing. Allele origin: germline.
Comment: In summary, the available evidence is currently insufficient to determine the role of this variant in disease. Therefore, it has been classified as a Variant of Uncertain Significance. Advanced modeling of protein sequence and biophysical properties (such as structural, functional, and spatial information, amino acid conservation, physicochemical variation, residue mobility, and thermodynamic stability) performed at Invitae indicates that this missense variant is not expected to disrupt ITK protein function. This variant has not been reported in the literature in individuals affected with ITK-related conditions. This variant is not present in population databases (gnomAD no frequency). This sequence change replaces alanine, which is neutral and non-polar, with valine, which is neutral and non-polar, at codon 471 of the ITK protein (p.Ala471Val).

NM_005546.4(ITK):c.1412C>T (p.Ala471Val)

Gene: ITK (IL2 inducible T cell kinase; plus strand). Cytogenetic location: 5q33.3.
Variant type: single nucleotide variant.
Coding change: c.1412C>T on transcript NM_005546.4 (MANE Select); coding-DNA position 1412, C replaced by T.
Protein change: p.Ala471Val; replaces alanine 471 with valine.
Molecular consequence: missense variant.
Genome position (GRCh38, 1-based): chr5:157,244,441, C>T. VCF-style: chr5-157244441-C-T. GRCh37 (hg19) VCF-style: chr5-156671451-C-T.
Other names: short protein forms A471V.
Identifiers: ClinVar variation 2120680 (VCV002120680.4), dbSNP rs2532156611, ClinGen allele CA361961914.